The following is an entry in ClinVar:

NM_002887.4(RARS1):c.11T>A (p.Leu4Gln)

Gene: RARS1 (arginyl-tRNA synthetase 1; plus strand). Cytogenetic location: 5q34.
Variant type: single nucleotide variant.
Coding change: c.11T>A on transcript NM_002887.4 (MANE Select); coding-DNA position 11, T replaced by A.
Protein change: p.Leu4Gln; replaces leucine 4 with glutamine.
Molecular consequence: missense variant.
Genome position (GRCh38, 1-based): chr5:168,486,509, T>A. VCF-style: chr5-168486509-T-A. GRCh37 (hg19) VCF-style: chr5-167913514-T-A.
Other names: short protein forms L4Q.
Identifiers: ClinVar variation 1029653 (VCV001029653.1), dbSNP rs374019310, ClinGen allele CA362077087.

ClinVar aggregate classification (germline): Uncertain significance (1 of 4 stars; one submission).

Conditions:
Leukodystrophy, hypomyelinating, 9. Identifiers: Orphanet 438114, MedGen C4015323, MONDO:0014506, OMIM 616140.

Submission:

Baylor Genetics
Classification: Uncertain significance for Leukodystrophy, hypomyelinating, 9. Last evaluated: 2019-09-26. Review status: criteria provided, single submitter. Criteria: ACMG Guidelines, 2015. Collection method: clinical testing. Allele origin: unknown. Affected: yes.
Comment: This variant was determined to be of uncertain significance according to ACMG Guidelines, 2015 [PMID:25741868].